The following is an entry in ClinVar:

ClinVar aggregate classification (germline): Uncertain significance (1 of 4 stars; one submission).

Conditions:
Common variable immunodeficiency (CVID). Also called: Common variable hypogamma-globulinemia; Common variable agammaglobulinemia. Identifiers: Orphanet 1572, MedGen C0009447, MONDO:0015517.

Allele frequency attached by ClinVar (database versions not stated): gnomAD 0.00005.
gnomAD v4.1: 50 of 1,613,956 alleles (0.0031%); highest among the groups gnomAD compares: Non-Finnish European, 0.0041%; no homozygotes.

Submission:

Labcorp Genetics (formerly Invitae), Labcorp
Classification: Uncertain significance for Common variable immunodeficiency. Last evaluated: 2026-01-18. Review status: criteria provided, single submitter. Criteria: Invitae Variant Classification Sherloc (09022015). Collection method: clinical testing. Allele origin: germline.
Comment: This sequence change replaces arginine, which is basic and polar, with glycine, which is neutral and non-polar, at codon 92 of the TNFSF12 protein (p.Arg92Gly). This variant is present in population databases (rs758492571, gnomAD 0.003%). This variant has not been reported in the literature in individuals affected with TNFSF12-related conditions. ClinVar contains an entry for this variant (Variation ID: 2175198). An algorithm developed to predict the effect of missense changes on protein structure and function (PolyPhen-2) suggests that this variant is likely to be disruptive. In summary, the available evidence is currently insufficient to determine the role of this variant in disease. Therefore, it has been classified as a Variant of Uncertain Significance.

NM_003809.3(TNFSF12):c.274C>G (p.Arg92Gly)

Genes: TNFSF12-TNFSF13 (TNFSF12-TNFSF13 readthrough; plus strand), TNFSF12 (TNF superfamily member 12; plus strand). Cytogenetic location: 17p13.1.
Variant type: single nucleotide variant.
Coding change: c.274C>G on transcript NM_003809.3 (MANE Select); coding-DNA position 274, C replaced by G.
Protein change: p.Arg92Gly; replaces arginine 92 with glycine.
Molecular consequence: missense variant. On other transcripts: non-coding transcript variant (1).
Genome position (GRCh38, 1-based): chr17:7,550,186, C>G. VCF-style: chr17-7550186-C-G. GRCh37 (hg19) VCF-style: chr17-7453503-C-G.
Other names: c.274C>G, p.Arg92Gly (NM_172089.4); short protein forms R92G.
Identifiers: ClinVar variation 2175198 (VCV002175198.4), dbSNP rs758492571, ClinGen allele CA8350739.